The following is an entry in ClinVar:

ClinVar aggregate classification (germline): Likely pathogenic (0 of 4 stars; one submission).

Conditions:
Severe myoclonic epilepsy in infancy (DRVT). Also called: Dravet syndrome; SEVERE MYOCLONIC EPILEPSY OF INFANCY; Epileptic encephalopathy, early infantile, 6 (Dravet syndrome); DEVELOPMENTAL AND EPILEPTIC ENCEPHALOPATHY 6A; Severe Myoclonic Epilepsy in Infancy (SMEI). Identifiers: Orphanet 33069, MedGen C0751122, MONDO:0100135, OMIM 607208.

Submission:

VIB - Center for Molecular Neurology, University of Antwerp
Classification: Likely pathogenic for Severe myoclonic epilepsy in infancy. Last evaluated: 2018-09-19. Review status: no assertion criteria provided. Collection method: research. Allele origin: de novo. Inheritance: Autosomal dominant inheritance. Affected: yes.

NM_001165963.4(SCN1A):c.265-2143G>A

Gene: SCN1A (sodium voltage-gated channel alpha subunit 1; minus strand). Cytogenetic location: 2q24.3.
Variant type: single nucleotide variant.
Coding change: c.265-2143G>A on transcript NM_001165963.4 (MANE Select); 2143 bases into the intron before coding-DNA position 265, G replaced by A.
Molecular consequence: intron variant.
Genome position (GRCh38, 1-based): chr2:166,060,831, C>T on the plus strand (G>A on the coding strand, the complement: SCN1A is on the minus strand). VCF-style: chr2-166060831-C-T. GRCh37 (hg19) VCF-style: chr2-166917341-C-T.
Other names: c.265-2143G>A (NM_001353949.2, NM_001353958.2, NM_001353950.2 and 10 more transcripts); c.-2161-2143G>A (NM_001353961.2).
Identifiers: ClinVar variation 694271 (VCV000694271.1), dbSNP rs1574312497, ClinGen allele CA915942935.